The following is an entry in ClinVar:

ClinVar aggregate classification (germline): Conflicting classifications of pathogenicity. Review status: criteria provided, conflicting classifications (1 of 4 stars). 4 submissions from 4 submitters: Uncertain significance (3); Likely benign (1). Last evaluated 2025-10-07.

Conditions:
Inborn genetic diseases. Identifiers: MedGen C0950123, MeSH D030342.
Intellectual developmental disorder, X-linked 1. Also called: Atkin Flaitz Patil Smith syndrome; MENTAL RETARDATION, X-LINKED 18; MENTAL RETARDATION, X-LINKED 78; Intellectual disability, X-linked 1. Identifiers: Orphanet 777, MedGen C2931498, MONDO:0010656, OMIM 309530.

Allele frequency attached by ClinVar (database versions not stated): gnomAD 0.00001; TOPMed below 0.00001; gnomAD exomes below 0.00001.
gnomAD v4.1: 2 of 1,165,992 alleles (0.00017%); highest among the groups gnomAD compares: Non-Finnish European, 0.00023%; no homozygotes.

Submissions (4):

Labcorp Genetics (formerly Invitae), Labcorp
Classification: Uncertain significance for Intellectual developmental disorder, X-linked 1. Last evaluated: 2025-10-07. Review status: criteria provided, single submitter. Criteria: Invitae Variant Classification Sherloc (09022015). Collection method: clinical testing. Allele origin: germline.
Comment: This sequence change replaces proline, which is neutral and non-polar, with leucine, which is neutral and non-polar, at codon 140 of the IQSEC2 protein (p.Pro140Leu). This variant is not present in population databases (gnomAD no frequency). This variant has not been reported in the literature in individuals affected with IQSEC2-related conditions. ClinVar contains an entry for this variant (Variation ID: 854310). Invitae Evidence Modeling of protein sequence and biophysical properties (such as structural, functional, and spatial information, amino acid conservation, physicochemical variation, residue mobility, and thermodynamic stability) indicates that this missense variant is not expected to disrupt IQSEC2 protein function with a negative predictive value of 95%. In summary, the available evidence is currently insufficient to determine the role of this variant in disease. Therefore, it has been classified as a Variant of Uncertain Significance.

GeneDx
Classification: Likely benign. Last evaluated: 2022-02-06. Review status: criteria provided, single submitter. Criteria: GeneDx Variant Classification Process June 2021. Collection method: clinical testing. Allele origin: germline. Affected: yes.
Comment: In silico analysis supports that this missense variant does not alter protein structure/function; Has not been previously published as pathogenic or benign to our knowledge

Institute for Clinical Genetics, University Hospital TU Dresden, University Hospital TU Dresden
Classification: Uncertain significance. Last evaluated: 2021-11-03. Review status: criteria provided, single submitter. Criteria: ACMG Guidelines, 2015. Collection method: clinical testing. Allele origin: germline.

Ambry Genetics
Classification: Uncertain significance for Inborn genetic diseases. Last evaluated: 2021-09-17. Review status: criteria provided, single submitter. Criteria: Ambry Variant Classification Scheme 2023. Collection method: clinical testing. Allele origin: germline.

NM_001111125.3(IQSEC2):c.419C>T (p.Pro140Leu)

Gene: IQSEC2 (IQ motif and Sec7 domain ArfGEF 2; minus strand). Cytogenetic location: Xp11.22.
Variant type: single nucleotide variant.
Coding change: c.419C>T on transcript NM_001111125.3 (MANE Select); coding-DNA position 419, C replaced by T.
Protein change: p.Pro140Leu; replaces proline 140 with leucine.
Molecular consequence: missense variant.
Genome position (GRCh38, 1-based): chrX:53,320,705, G>A on the plus strand (C>T on the coding strand, the complement: IQSEC2 is on the minus strand). VCF-style: chrX-53320705-G-A. GRCh37 (hg19) VCF-style: chrX-53349903-G-A.
Other names: short protein forms P140L.
Identifiers: ClinVar variation 854310 (VCV000854310.12), dbSNP rs1372592100, ClinGen allele CA413239385.